The following is an entry in ClinVar:

ClinVar aggregate classification (germline): Uncertain significance (0 of 4 stars; one submission).

Conditions:
PUM1-related disorder. Also called: PUM1-related condition; PUM1-related disorders.

gnomAD v4.1: 1 of 1,614,020 alleles (0.000062%); highest among the groups gnomAD compares: Admixed American, 0.0017%; no homozygotes.

Submission:

PreventionGenetics, part of Exact Sciences
Classification: Uncertain significance for PUM1-related condition. Last evaluated: 2024-07-31. Review status: no assertion criteria provided. Collection method: clinical testing. Allele origin: germline.
Comment: The PUM1 c.1864C>T variant is predicted to result in the amino acid substitution p.Pro622Ser. To our knowledge, this variant has not been reported in the literature. This variant is reported in 0.0029% of alleles in individuals of Latino descent in gnomAD. At this time, the clinical significance of this variant is uncertain due to the absence of conclusive functional and genetic evidence.

NM_001020658.2(PUM1):c.1864C>T (p.Pro622Ser)

Gene: PUM1 (pumilio RNA binding family member 1; minus strand). Cytogenetic location: 1p35.2.
Variant type: single nucleotide variant.
Coding change: c.1864C>T on transcript NM_001020658.2 (MANE Select); coding-DNA position 1864, C replaced by T.
Protein change: p.Pro622Ser; replaces proline 622 with serine.
Molecular consequence: missense variant.
Genome position (GRCh38, 1-based): chr1:30,966,204, G>A on the plus strand (C>T on the coding strand, the complement: PUM1 is on the minus strand). VCF-style: chr1-30966204-G-A. GRCh37 (hg19) VCF-style: chr1-31439051-G-A.
Other names: c.1864C>T, p.Pro622Ser (NM_014676.3); short protein forms P622S.
Identifiers: ClinVar variation 3356059 (VCV003356059.1).
Genomic context (GRCh38, chr1:30,966,204, plus strand): 5'-ATGCCAGGTTGTTATTGGGCTGCTGCTGGGGCTGGGGCTGAGGCTGCTGTGTTCCTAAAG[G>A]GCGAAATGGTCCATTTGTTGTTCCAGCAAGACCACCAGCTGCTCCATTTGCTGAAGCTGC-3'
Protein context (NP_001018494.1, residues 612-632): LAGTTNGPFR[Pro622Ser]LGTQQPQPQP